The following is an entry in ClinVar:

ClinVar aggregate classification (germline): Likely benign (1 of 4 stars; one submission).

gnomAD v4.1: 43 of 1,614,022 alleles (0.0027%); highest among the groups gnomAD compares: Non-Finnish European, 0.0035%; no homozygotes.

Submission:

CeGaT Center for Human Genetics Tuebingen
Classification: Likely benign. Last evaluated: 2025-03-01. Review status: criteria provided, single submitter. Criteria: CeGaT Center For Human Genetics Tuebingen Variant Classification Criteria Version 2. Collection method: clinical testing. Allele origin: germline. Affected: yes. Observed: 1 variant allele.
Comment: ZNF142: BP4, BP7

NM_001379659.1(ZNF142):c.2784G>A (p.Leu928=)

Gene: ZNF142 (zinc finger protein 142; minus strand). Cytogenetic location: 2q35.
Variant type: single nucleotide variant.
Coding change: c.2784G>A on transcript NM_001379659.1 (MANE Select); coding-DNA position 2784, G replaced by A.
Protein change: p.Leu928=; no amino-acid change (leucine 928 retained).
Molecular consequence: synonymous variant.
Genome position (GRCh38, 1-based): chr2:218,644,332, C>T on the plus strand (G>A on the coding strand, the complement: ZNF142 is on the minus strand). VCF-style: chr2-218644332-C-T. GRCh37 (hg19) VCF-style: chr2-219509055-C-T.
Other names: c.2184G>A, p.Leu728= (NM_001105537.5, NM_001366291.3, NM_001379662.1); c.1695G>A, p.Leu565= (NM_001366287.3, NM_001366288.3, NM_001366289.3); c.2784G>A, p.Leu928= (NM_001366290.3, NM_001379660.1, NM_001379661.1).
Identifiers: ClinVar variation 3778249 (VCV003778249.7).